The following is an entry in ClinVar:

ClinVar aggregate classification (germline): Uncertain significance (0 of 4 stars; one submission).

Conditions:
MKKS-related disorder. Also called: MKKS-related condition; MKKS-related disorders.

Allele frequency attached by ClinVar (database versions not stated): gnomAD 0.00001; TOPMed 0.00001.
gnomAD v4.1: 26 of 1,613,922 alleles (0.0016%); highest among the groups gnomAD compares: Non-Finnish European, 0.0022%; no homozygotes.

Submission:

PreventionGenetics, part of Exact Sciences
Classification: Uncertain significance for MKKS-related condition. Last evaluated: 2024-08-07. Review status: no assertion criteria provided. Collection method: clinical testing. Allele origin: germline.
Comment: The MKKS c.1216G>T variant is predicted to result in the amino acid substitution p.Ala406Ser. To our knowledge, this variant has not been reported in the literature. This variant is reported in 0.0070% of alleles in individuals of European (Non-Finnish) descent in gnomAD. At this time, the clinical significance of this variant is uncertain due to the absence of conclusive functional and genetic evidence.

NM_170784.3(MKKS):c.1216G>T (p.Ala406Ser)

Gene: MKKS (MKKS centrosomal shuttling protein; minus strand). Cytogenetic location: 20p12.2.
Variant type: single nucleotide variant.
Coding change: c.1216G>T on transcript NM_170784.3 (MANE Select); coding-DNA position 1216, G replaced by T.
Protein change: p.Ala406Ser; replaces alanine 406 with serine.
Molecular consequence: missense variant. On other transcripts: non-coding transcript variant (1).
Genome position (GRCh38, 1-based): chr20:10,407,672, C>A on the plus strand (G>T on the coding strand, the complement: MKKS is on the minus strand). VCF-style: chr20-10407672-C-A. GRCh37 (hg19) VCF-style: chr20-10388320-C-A.
Other names: c.1216G>T, p.Ala406Ser (NM_018848.3); short protein forms A406S.
Identifiers: ClinVar variation 3030438 (VCV003030438.2), dbSNP rs769841969, ClinGen allele CA9763528.